The following is an entry in ClinVar:

ClinVar aggregate classification (germline): Uncertain significance (1 of 4 stars; one submission).

Allele frequency attached by ClinVar (database versions not stated): gnomAD exomes below 0.00001 and 0.00001; gnomAD 0.00011; TOPMed 0.00022.
gnomAD v4.1: 30 of 1,612,784 alleles (0.0019%); highest among the groups gnomAD compares: Admixed American, 0.033%; no homozygotes.

Submission:

Labcorp Genetics (formerly Invitae), Labcorp
Classification: Uncertain significance. Last evaluated: 2022-08-15. Review status: criteria provided, single submitter. Criteria: Invitae Variant Classification Sherloc (09022015). Collection method: clinical testing. Allele origin: germline.
Comment: This sequence change replaces asparagine, which is neutral and polar, with serine, which is neutral and polar, at codon 834 of the CEP135 protein (p.Asn834Ser). This variant is present in population databases (rs759277854, gnomAD 0.004%). This variant has not been reported in the literature in individuals affected with CEP135-related conditions. ClinVar contains an entry for this variant (Variation ID: 1393684). Algorithms developed to predict the effect of missense changes on protein structure and function are either unavailable or do not agree on the potential impact of this missense change (SIFT: "Tolerated"; PolyPhen-2: "Probably Damaging"; Align-GVGD: "Class C0"). Algorithms developed to predict the effect of sequence changes on RNA splicing suggest that this variant may create or strengthen a splice site. In summary, the available evidence is currently insufficient to determine the role of this variant in disease. Therefore, it has been classified as a Variant of Uncertain Significance.

NM_025009.5(CEP135):c.2501A>G (p.Asn834Ser)

Gene: CEP135 (centrosomal protein 135; plus strand). Cytogenetic location: 4q12.
Variant type: single nucleotide variant.
Coding change: c.2501A>G on transcript NM_025009.5 (MANE Select); coding-DNA position 2501, A replaced by G.
Protein change: p.Asn834Ser; replaces asparagine 834 with serine.
Molecular consequence: missense variant.
Genome position (GRCh38, 1-based): chr4:56,009,899, A>G. VCF-style: chr4-56009899-A-G. GRCh37 (hg19) VCF-style: chr4-56876065-A-G.
Other names: short protein forms N834S.
Identifiers: ClinVar variation 1393684 (VCV001393684.5), dbSNP rs759277854, ClinGen allele CA2928169.